The following is an entry in ClinVar:

NM_001365951.3(KIF1B):c.59C>G (p.Thr20Ser)

Genes: KIF1B (kinesin family member 1B; plus strand), LOC129388446 (MPRA-validated peak64 silencer; plus strand). Cytogenetic location: 1p36.22.
Variant type: single nucleotide variant.
Coding change: c.59C>G on transcript NM_001365951.3 (MANE Select); coding-DNA position 59, C replaced by G.
Protein change: p.Thr20Ser; replaces threonine 20 with serine.
Molecular consequence: missense variant.
Genome position (GRCh38, 1-based): chr1:10,232,387, C>G. VCF-style: chr1-10232387-C-G. GRCh37 (hg19) VCF-style: chr1-10292445-C-G.
Other names: c.59C>G, p.Thr20Ser (NM_001365952.1, NM_001365953.1, NM_015074.3 and 1 more transcripts); short protein forms T20S.
Identifiers: ClinVar variation 3864063 (VCV003864063.1).

ClinVar aggregate classification (germline): Uncertain significance (1 of 4 stars; one submission).

gnomAD v4.1: 2 of 1,614,040 alleles (0.00012%); highest among the groups gnomAD compares: South Asian, 0.0022%; no homozygotes.

Submission:

Ambry Genetics
Classification: Uncertain significance. Last evaluated: 2025-01-06. Review status: criteria provided, single submitter. Criteria: Ambry Variant Classification Scheme 2023. Collection method: clinical testing. Allele origin: germline.
Comment: The p.T20S variant (also known as c.59C>G), located in coding exon 1 of the KIF1B gene, results from a C to G substitution at nucleotide position 59. The threonine at codon 20 is replaced by serine, an amino acid with similar properties. This amino acid position is conserved. In addition, this alteration is predicted to be tolerated by in silico analysis. Based on the available evidence, the clinical significance of this variant remains unclear.